The following is an entry in ClinVar:

ClinVar aggregate classification (germline): Uncertain significance. Review status: criteria provided, multiple submitters, no conflicts (2 of 4 stars). 2 submissions from 2 submitters: Uncertain significance (2). Last evaluated 2025-07-30.

Conditions:
Epidermolysis bullosa simplex 5B, with muscular dystrophy (EBS5B). Also called: EPIDERMOLYSIS BULLOSA SIMPLEX AND LIMB-GIRDLE MUSCULAR DYSTROPHY; Epidermolysis bullosa simplex with muscular dystrophy. Identifiers: Orphanet 257, MedGen C2931072, MONDO:0009181, OMIM 226670.
Epidermolysis bullosa simplex, Ogna type (EBS5A). Also called: EPIDERMOLYSIS BULLOSA SIMPLEX 5A, OGNA TYPE; Pidermolysis bullosa simplex 5A, Ogna type. Identifiers: Orphanet 79401, MedGen C0432317, MONDO:0007555, OMIM 131950.
Epidermolysis bullosa simplex with nail dystrophy (EBS5D). Identifiers: MedGen C4225309, MONDO:0014661, OMIM 616487.
Autosomal recessive limb-girdle muscular dystrophy type 2Q (LGMDR17). Also called: MUSCULAR DYSTROPHY, LIMB-GIRDLE, AUTOSOMAL RECESSIVE 17. Identifiers: Orphanet 254361, MedGen C3150989, MONDO:0013390, OMIM 613723.
Epidermolysis bullosa simplex 5C, with pyloric atresia (EBS5C). Also called: Epidermolysis bullosa simplex with pyloric atresia; PLEC-Related Epidermolysis Bullosa with Pyloric Atresia; PLEC1-Related Epidermolysis Bullosa with Pyloric Atresia. Identifiers: Orphanet 158684, MedGen C2677349, MONDO:0012807, OMIM 612138.
Inborn genetic diseases. Identifiers: MedGen C0950123, MeSH D030342.

Allele frequency attached by ClinVar (database versions not stated): gnomAD exomes below 0.00001 and 0.00002; ExAC 0.00001; gnomAD 0.00001; TOPMed 0.00001.
gnomAD v4.1: 7 of 1,607,594 alleles (0.00044%); highest among the groups gnomAD compares: Admixed American, 0.01%; no homozygotes.

Submissions (2):

Labcorp Genetics (formerly Invitae), Labcorp
Classification: Uncertain significance for Autosomal recessive limb-girdle muscular dystrophy type 2Q; Epidermolysis bullosa simplex, Ogna type; Epidermolysis bullosa simplex with nail dystrophy; Epidermolysis bullosa simplex 5C, with pyloric atresia; Epidermolysis bullosa simplex 5B, with muscular dystrophy. Last evaluated: 2025-07-30. Review status: criteria provided, single submitter. Criteria: Invitae Variant Classification Sherloc (09022015). Collection method: clinical testing. Allele origin: germline.
Comment: This sequence change replaces glutamine, which is neutral and polar, with leucine, which is neutral and non-polar, at codon 3230 of the PLEC protein (p.Gln3230Leu). This variant is present in population databases (rs782658586, gnomAD 0.01%). This variant has not been reported in the literature in individuals affected with PLEC-related conditions. ClinVar contains an entry for this variant (Variation ID: 1410528). An algorithm developed to predict the effect of missense changes on protein structure and function (PolyPhen-2) suggests that this variant is likely to be tolerated. In summary, the available evidence is currently insufficient to determine the role of this variant in disease. Therefore, it has been classified as a Variant of Uncertain Significance.

Ambry Genetics
Classification: Uncertain significance for Inborn genetic diseases. Last evaluated: 2024-10-20. Review status: criteria provided, single submitter. Criteria: Ambry Variant Classification Scheme 2023. Collection method: clinical testing. Allele origin: germline.

NM_201384.3(PLEC):c.9608A>T (p.Gln3203Leu)

Gene: PLEC (plectin; minus strand). Cytogenetic location: 8q24.3.
Variant type: single nucleotide variant.
Coding change: c.9608A>T on transcript NM_201384.3 (MANE Select); coding-DNA position 9608, A replaced by T.
Protein change: p.Gln3203Leu; replaces glutamine 3203 with leucine.
Molecular consequence: missense variant.
Genome position (GRCh38, 1-based): chr8:143,920,213, T>A on the plus strand (A>T on the coding strand, the complement: PLEC is on the minus strand). VCF-style: chr8-143920213-T-A. GRCh37 (hg19) VCF-style: chr8-144994381-T-A.
Other names: c.9689A>T, p.Gln3230Leu (NM_000445.5); c.9566A>T, p.Gln3189Leu (NM_201378.4); c.9542A>T, p.Gln3181Leu (NM_201379.3); c.10019A>T, p.Gln3340Leu (NM_201380.4); c.9512A>T, p.Gln3171Leu (NM_201381.3); c.9608A>T, p.Gln3203Leu (NM_201382.4); c.9620A>T, p.Gln3207Leu (NM_201383.3); c.9689A>T (NM_000445.3); short protein forms Q3171L, Q3181L, Q3203L, Q3207L, Q3230L, Q3340L, Q3189L.
Identifiers: ClinVar variation 1410528 (VCV001410528.7), dbSNP rs782658586, ClinGen allele CA4924914.
Genomic context (GRCh38, chr8:143,920,213, plus strand): 5'-TCCTCCTGCCGGGCCCGAGCAGCCTTTTCTGAGAGCGGCAGCAGGCTCAGCCCGGTCAGC[T>A]GGTCGGGCCGGCACCGCTGCTGGAGCTCGCCGTAGGTGGCCGGCTCCCCTGTGCTGGGGT-3'
Protein context (NP_958786.1, residues 3193-3213): GELQQRCRPD[Gln3203Leu]LTGLSLLPLS